The following is an entry in ClinVar:

ClinVar aggregate classification (germline): Likely pathogenic (1 of 4 stars; one submission).

Submission:

Athena Diagnostics
Classification: Likely pathogenic. Last evaluated: 2025-03-10. Review status: criteria provided, single submitter. Criteria: Athena Diagnostics Criteria. Collection method: clinical testing. Allele origin: unknown.
Comment: This variant is expected to result in the loss of a functional protein. The frequency of this variant in the general population is consistent with pathogenicity.

NM_001178015.2(SLC4A10):c.874del (p.Gln292fs)

Gene: SLC4A10 (solute carrier family 4 member 10; plus strand). Cytogenetic location: 2q24.2.
Variant type: Deletion.
Coding change: c.874del on transcript NM_001178015.2 (MANE Select); coding-DNA position 874, one base deleted (C; older notation c.874delC).
Protein change: p.Gln292fs; shifts the reading frame from glutamine 292.
Molecular consequence: frameshift variant. On other transcripts: intron variant (12).
Genome position (GRCh38, 1-based): chr2:161,873,931, C deleted. VCF-style (leftmost placement, unchanged base first): chr2-161873930-AC-A. GRCh37 (hg19) VCF-style: chr2-162730440-AC-A.
Other names: c.874del, p.Gln292fs (NM_001354440.2); c.907del, p.Gln303fs (NM_001354441.2, NM_001354442.2); c.871del, p.Gln291fs (NM_001354444.2); c.910del, p.Gln304fs (NM_001354460.2, NM_001354461.2); c.894+1547del (NM_001354447.2, NM_001354443.2); c.891+1547del (NM_001178016.2, NM_001354445.2); c.888+1547del (NM_001354448.2); c.279+1547del (NM_001354455.2); and 3 more; short protein forms Q291fs, Q292fs, Q303fs, Q304fs.
Identifiers: ClinVar variation 4682465 (VCV004682465.1).